The following is an entry in ClinVar:

NM_022893.4(BCL11A):c.933C>T (p.Pro311=)

Gene: BCL11A (BCL11 transcription factor A; minus strand). Cytogenetic location: 2p16.1.
Variant type: single nucleotide variant.
Coding change: c.933C>T on transcript NM_022893.4 (MANE Select); coding-DNA position 933, C replaced by T.
Protein change: p.Pro311=; no amino-acid change (proline 311 retained).
Molecular consequence: synonymous variant. On other transcripts: intron variant (9).
Genome position (GRCh38, 1-based): chr2:60,461,979, G>A on the plus strand (C>T on the coding strand, the complement: BCL11A is on the minus strand). VCF-style: chr2-60461979-G-A. GRCh37 (hg19) VCF-style: chr2-60689114-G-A.
Other names: c.477C>T, p.Pro159= (NM_001405726.1, NM_001405727.1, NM_001405728.1 and 1 more transcripts); c.933C>T, p.Pro311= (NM_018014.4, NM_001405708.1, NM_001405709.1 and 1 more transcripts); c.630+303C>T (NM_138559.2, NM_001405732.1); c.528+303C>T (NM_001405733.1); c.631-235C>T (NM_001405730.1); c.175-235C>T (NM_001405731.1); c.474+303C>T (NM_001405735.1, NM_001405734.1); c.372+303C>T (NM_001405736.1); and 5 more.
Identifiers: ClinVar variation 5039103 (VCV005039103.1).
Genomic context (GRCh38, chr2:60,461,979, plus strand): 5'-CAGCGGTGGGCTAGACGTGTTCCCTGCCAGCTCTCTAAGTCTCCTAGAGAAATCCATGGC[G>A]GGAGGCTCCATAGCCATTGGATTCAACCGCAGCACCCTGTCAAAGGCACTCGGGTGATGG-3'
Protein context (NP_075044.2, residues 301-321): LRLNPMAMEP[Pro311=]AMDFSRRLRE

ClinVar aggregate classification (germline): Likely benign (1 of 4 stars; one submission).

gnomAD v4.1: 15 of 1,613,672 alleles (0.00093%); highest among the groups gnomAD compares: African/African-American, 0.015%; no homozygotes.

Submission:

CeGaT Center for Human Genetics Tuebingen
Classification: Likely benign. Last evaluated: 2026-08-01. Review status: criteria provided, single submitter. Criteria: CeGaT Center For Human Genetics Tuebingen Variant Classification Criteria Version 2. Collection method: clinical testing. Allele origin: germline. Affected: yes. Observed: 1 variant allele.
Comment: BCL11A: BP4, BP7